The following is an entry in ClinVar:

NC_000008.10:g.(?_145008783)_(145018851_?)dup

Genes: PLEC (plectin; minus strand), LOC121331314 (Sharpr-MPRA regulatory region 8265; plus strand), LOC130001337 (ATAC-STARR-seq lymphoblastoid silent region 19630; plus strand), LOC130001338 (ATAC-STARR-seq lymphoblastoid active region 28078; plus strand), LOC130001339 (ATAC-STARR-seq lymphoblastoid silent region 19631; plus strand) and 5 more. Cytogenetic location: 8q24.3.
Variant type: Duplication.
Identifiers: ClinVar variation 658433 (VCV000658433.10).

ClinVar aggregate classification (germline): Likely pathogenic (1 of 4 stars; one submission).

Conditions:
Epidermolysis bullosa simplex 5C, with pyloric atresia (EBS5C). Also called: Epidermolysis bullosa simplex with pyloric atresia; PLEC-Related Epidermolysis Bullosa with Pyloric Atresia; PLEC1-Related Epidermolysis Bullosa with Pyloric Atresia. Identifiers: Orphanet 158684, MedGen C2677349, MONDO:0012807, OMIM 612138.
Epidermolysis bullosa simplex 5B, with muscular dystrophy (EBS5B). Also called: Epidermolysis bullosa simplex with muscular dystrophy; EPIDERMOLYSIS BULLOSA SIMPLEX AND LIMB-GIRDLE MUSCULAR DYSTROPHY. Identifiers: Orphanet 257, MedGen C2931072, MONDO:0009181, OMIM 226670.
Epidermolysis bullosa simplex, Ogna type (EBS5A). Also called: Pidermolysis bullosa simplex 5A, Ogna type; EPIDERMOLYSIS BULLOSA SIMPLEX 5A, OGNA TYPE. Identifiers: Orphanet 79401, MedGen C0432317, MONDO:0007555, OMIM 131950.
Epidermolysis bullosa simplex with nail dystrophy (EBS5D). Identifiers: MedGen C4225309, MONDO:0014661, OMIM 616487.
Autosomal recessive limb-girdle muscular dystrophy type 2Q (LGMDR17). Also called: MUSCULAR DYSTROPHY, LIMB-GIRDLE, AUTOSOMAL RECESSIVE 17. Identifiers: Orphanet 254361, MedGen C3150989, MONDO:0013390, OMIM 613723.

Submission:

Labcorp Genetics (formerly Invitae), Labcorp
Classification: Likely pathogenic for Autosomal recessive limb-girdle muscular dystrophy type 2Q; Epidermolysis bullosa simplex, Ogna type; Epidermolysis bullosa simplex with nail dystrophy; Epidermolysis bullosa simplex 5C, with pyloric atresia; Epidermolysis bullosa simplex 5B, with muscular dystrophy. Last evaluated: 2018-09-06. Review status: criteria provided, single submitter. Criteria: Invitae Variant Classification Sherloc (09022015). Collection method: clinical testing. Allele origin: germline.
Comment: In summary, sub-genic duplications are generally in tandem (PMID: 25640679), and result in an absent or disrupted protein. However, the exact location of this duplication has not been confirmed. Therefore, it has been classified as Likely Pathogenic. While this particular variant has not been reported in the literature, loss-of-function variants in PLEC are known to be pathogenic (PMID: 23289980). This variant is a gross duplication of the genomic region encompassing exons 3-11 of the PLEC gene. While the exact position of the duplicated exons cannot be determined from this data, the duplicated copy of this region is likely in tandem and may result in an absent or disrupted protein product.

Literature cited by the submitters: PubMed 25640679; PubMed 23289980.